The following is an entry in ClinVar:

ClinVar aggregate classification (germline): Uncertain significance. Review status: criteria provided, multiple submitters, no conflicts (2 of 4 stars). 4 submissions from 4 submitters: Uncertain significance (4). Last evaluated 2025-12-02.

Conditions:
Hereditary cancer-predisposing syndrome. Also called: Hereditary neoplastic syndrome; Hereditary Cancer Syndrome; Neoplastic Syndromes, Hereditary; Tumor predisposition. Identifiers: Orphanet 140162, MedGen C0027672, MeSH D009386, MONDO:0015356.
Fanconi anemia complementation group O. Also called: RAD51C-Related Fanconi Anemia. Identifiers: Orphanet 84, MedGen C3150653, MONDO:0013248, OMIM 613390.

Submissions (4):

Labcorp Genetics (formerly Invitae), Labcorp
Classification: Uncertain significance for Fanconi anemia complementation group O. Last evaluated: 2025-12-02. Review status: criteria provided, single submitter. Criteria: Invitae Variant Classification Sherloc (09022015). Collection method: clinical testing. Allele origin: germline.
Comment: This sequence change replaces glutamic acid, which is acidic and polar, with glutamine, which is neutral and polar, at codon 37 of the RAD51C protein (p.Glu37Gln). This variant is not present in population databases (gnomAD no frequency). This variant has not been reported in the literature in individuals affected with RAD51C-related conditions. ClinVar contains an entry for this variant (Variation ID: 419845). Invitae Evidence Modeling of protein sequence and biophysical properties (such as structural, functional, and spatial information, amino acid conservation, physicochemical variation, residue mobility, and thermodynamic stability) indicates that this missense variant is not expected to disrupt RAD51C protein function with a negative predictive value of 80%. In summary, the available evidence is currently insufficient to determine the role of this variant in disease. Therefore, it has been classified as a Variant of Uncertain Significance.

Ambry Genetics
Classification: Uncertain significance for Hereditary cancer-predisposing syndrome. Last evaluated: 2025-07-18. Review status: criteria provided, single submitter. Criteria: Ambry Variant Classification Scheme 2023. Collection method: clinical testing. Allele origin: germline.
Comment: The p.E37Q variant (also known as c.109G>C), located in coding exon 1 of the RAD51C gene, results from a G to C substitution at nucleotide position 109. The glutamic acid at codon 37 is replaced by glutamine, an amino acid with highly similar properties. This amino acid position is conserved. In addition, this alteration is predicted to be tolerated by in silico analysis. Since supporting evidence is limited at this time, the clinical significance of this alteration remains unclear.

Color Diagnostics, LLC DBA Color Health
Classification: Uncertain significance for Hereditary cancer-predisposing syndrome. Last evaluated: 2023-12-05. Review status: criteria provided, single submitter. Criteria: ACMG Guidelines, 2015. Collection method: clinical testing. Allele origin: germline.
Comment: This missense variant replaces glutamic acid with glutamine at codon 37 of the RAD51C protein. Computational prediction suggests that this variant may not impact protein structure and function (internally defined REVEL score threshold <= 0.5, PMID: 27666373). To our knowledge, functional studies have not been reported for this variant. This variant has not been reported in individuals affected with RAD51C-related disorders in the literature. This variant has not been identified in the general population by the Genome Aggregation Database (gnomAD). The available evidence is insufficient to determine the role of this variant in disease conclusively. Therefore, this variant is classified as a Variant of Uncertain Significance.

GeneDx
Classification: Uncertain significance. Last evaluated: 2018-10-31. Review status: criteria provided, single submitter. Criteria: GeneDx Variant Classification (06012015). Collection method: clinical testing. Allele origin: germline. Affected: yes.
Comment: This variant is denoted RAD51C c.109G>C at the cDNA level, p.Glu37Gln (E37Q) at the protein level, and results in the change of a Glutamic Acid to a Glutamine (GAA>CAA). This variant has not, to our knowledge, been published in the literature as a pathogenic or benign germline variant. RAD51C Glu37Gln was not observed in large population cohorts (Lek 2016). This variant is located within the region required for Holliday junction resolution activity (UniProt). In silico analysis, which includes protein predictors and evolutionary conservation, supports that this variant does not alter protein structure/function. Based on currently available evidence, it is unclear whether RAD51C Glu37Gln is a pathogenic or benign variant. We consider it to be a variant of uncertain significance.

NM_058216.3(RAD51C):c.109G>C (p.Glu37Gln)

Gene: RAD51C (RAD51 paralog C; plus strand). Cytogenetic location: 17q22.
Variant type: single nucleotide variant.
Coding change: c.109G>C on transcript NM_058216.3 (MANE Select); coding-DNA position 109, G replaced by C.
Protein change: p.Glu37Gln; replaces glutamic acid 37 with glutamine.
Molecular consequence: missense variant. On other transcripts: non-coding transcript variant (1).
Genome position (GRCh38, 1-based): chr17:58,692,752, G>C. VCF-style: chr17-58692752-G-C. GRCh37 (hg19) VCF-style: chr17-56770113-G-C.
Other names: c.109G>C, p.Glu37Gln (NM_002876.4); short protein forms E37Q.
Identifiers: ClinVar variation 419845 (VCV000419845.18), dbSNP rs1064794145, ClinGen allele CA16620489.